The following is an entry in ClinVar:

NM_005477.3(HCN4):c.2884C>A (p.Pro962Thr)

Gene: HCN4 (hyperpolarization activated cyclic nucleotide gated potassium channel 4; minus strand). Cytogenetic location: 15q24.1.
Variant type: single nucleotide variant.
Coding change: c.2884C>A on transcript NM_005477.3 (MANE Select); coding-DNA position 2884, C replaced by A.
Protein change: p.Pro962Thr; replaces proline 962 with threonine.
Molecular consequence: missense variant.
Genome position (GRCh38, 1-based): chr15:73,323,209, G>T on the plus strand (C>A on the coding strand, the complement: HCN4 is on the minus strand). VCF-style: chr15-73323209-G-T. GRCh37 (hg19) VCF-style: chr15-73615550-G-T.
Other names: short protein forms P962T.
Identifiers: ClinVar variation 3524367 (VCV003524367.1).

ClinVar aggregate classification (germline): Uncertain significance (1 of 4 stars; one submission).

Conditions:
Cardiovascular phenotype. Identifiers: MedGen CN230736.

gnomAD v4.1: 1 of 1,535,676 alleles (0.000065%); highest among the groups gnomAD compares: South Asian, 0.0013%; no homozygotes.

Submission:

Ambry Genetics
Classification: Uncertain significance for Cardiovascular phenotype. Last evaluated: 2024-11-27. Review status: criteria provided, single submitter. Criteria: Ambry Variant Classification Scheme 2023. Collection method: clinical testing. Allele origin: germline.
Comment: The p.P962T variant (also known as c.2884C>A), located in coding exon 8 of the HCN4 gene, results from a C to A substitution at nucleotide position 2884. The proline at codon 962 is replaced by threonine, an amino acid with highly similar properties. This amino acid position is conserved. In addition, the in silico prediction for this alteration is inconclusive. Based on the available evidence, the clinical significance of this variant remains unclear.